The following is an entry in ClinVar:

NM_005630.3(SLCO2A1):c.234G>A (p.Glu78=)

Gene: SLCO2A1 (solute carrier organic anion transporter family member 2A1; minus strand). Cytogenetic location: 3q22.1.
Variant type: single nucleotide variant.
Coding change: c.234G>A on transcript NM_005630.3 (MANE Select); coding-DNA position 234, G replaced by A.
Protein change: p.Glu78=; no amino-acid change (glutamic acid 78 retained).
Molecular consequence: synonymous variant.
Genome position (GRCh38, 1-based): chr3:133,979,481, C>T on the plus strand (G>A on the coding strand, the complement: SLCO2A1 is on the minus strand). VCF-style: chr3-133979481-C-T. GRCh37 (hg19) VCF-style: chr3-133698325-C-T.
Identifiers: ClinVar variation 1526111 (VCV001526111.1), dbSNP rs545492175, ClinGen allele CA2626904.

ClinVar aggregate classification (germline): Uncertain significance (1 of 4 stars; one submission).

Conditions:
Hypertrophic osteoarthropathy, primary, autosomal recessive, 2 (PHOAR2E). Also called: PACHYDERMOPERIOSTOSIS, AUTOSOMAL RECESSIVE; PDP, AUTOSOMAL RECESSIVE; HYPERTROPHIC OSTEOARTHROPATHY, PRIMARY, AUTOSOMAL RECESSIVE, 2/ENTEROPATHY SYNDROME; PHOAR2-enteropathy syndrome. Identifiers: Orphanet 2796, MedGen C3280800, MONDO:0013756, OMIM 614441.

Allele frequency attached by ClinVar (database versions not stated): ExAC 0.00002; gnomAD exomes 0.00002 and 0.00001; 1000 Genomes Project 0.00020; gnomAD 0.00001; 1000 Genomes Project 30x 0.00016.
gnomAD v4.1: 18 of 1,614,204 alleles (0.0011%); highest among the groups gnomAD compares: South Asian, 0.019%; no homozygotes.

Submission:

3billion
Classification: Uncertain significance for Hypertrophic osteoarthropathy, primary, autosomal recessive, 2. Last evaluated: 2022-03-22. Review status: criteria provided, single submitter. Criteria: ACMG Guidelines, 2015. Collection method: clinical testing. Allele origin: germline. Affected: yes. Observed: 1 homozygote.
Comment: The variant is observed at an extremely low frequency in the gnomAD v2.1.1 dataset (total allele frequency: 0.0000199). Therefore, this variant is classified as uncertain significance according to the recommendation of ACMG/AMP guideline.